The following is an entry in ClinVar:

ClinVar aggregate classification (germline): Uncertain significance (1 of 4 stars; one submission).

gnomAD v4.1: 1 of 1,614,196 alleles (0.000062%); highest among the groups gnomAD compares: Non-Finnish European, 0.000085%; no homozygotes.

Submission:

Labcorp Genetics (formerly Invitae), Labcorp
Classification: Uncertain significance. Last evaluated: 2024-09-29. Review status: criteria provided, single submitter. Criteria: Invitae Variant Classification Sherloc (09022015). Collection method: clinical testing. Allele origin: germline.
Comment: This sequence change replaces leucine, which is neutral and non-polar, with phenylalanine, which is neutral and non-polar, at codon 1051 of the REST protein (p.Leu1051Phe). This variant is not present in population databases (gnomAD no frequency). This variant has not been reported in the literature in individuals affected with REST-related conditions. An algorithm developed to predict the effect of missense changes on protein structure and function (PolyPhen-2) suggests that this variant is likely to be disruptive. In summary, the available evidence is currently insufficient to determine the role of this variant in disease. Therefore, it has been classified as a Variant of Uncertain Significance.

NM_005612.5(REST):c.3153G>C (p.Leu1051Phe)

Gene: REST (RE1 silencing transcription factor; plus strand). Cytogenetic location: 4q12.
Variant type: single nucleotide variant.
Coding change: c.3153G>C on transcript NM_005612.5 (MANE Select); coding-DNA position 3153, G replaced by C.
Protein change: p.Leu1051Phe; replaces leucine 1051 with phenylalanine.
Molecular consequence: missense variant.
Genome position (GRCh38, 1-based): chr4:56,932,011, G>C. VCF-style: chr4-56932011-G-C. GRCh37 (hg19) VCF-style: chr4-57798177-G-C.
Other names: c.3153G>C, p.Leu1051Phe (NM_001193508.2, NM_001363453.3); short protein forms L1051F.
Identifiers: ClinVar variation 3717669 (VCV003717669.2).